The following is an entry in ClinVar:

NM_000466.3(PEX1):c.3224C>T (p.Ser1075Phe)

Genes: GATAD1 (GATA zinc finger domain containing 1; plus strand), PEX1 (peroxisomal biogenesis factor 1; minus strand). Cytogenetic location: 7q21.2.
Variant type: single nucleotide variant.
Coding change: c.3224C>T on transcript NM_000466.3 (MANE Select); coding-DNA position 3224, C replaced by T.
Protein change: p.Ser1075Phe; replaces serine 1075 with phenylalanine.
Molecular consequence: missense variant.
Genome position (GRCh38, 1-based): chr7:92,491,486, G>A on the plus strand (C>T on the coding strand, the complement: PEX1 is on the minus strand). VCF-style: chr7-92491486-G-A. GRCh37 (hg19) VCF-style: chr7-92120800-G-A.
Other names: c.3053C>T, p.Ser1018Phe (NM_001282677.2); c.2600C>T, p.Ser867Phe (NM_001282678.2); short protein forms S867F, S1018F, S1075F.
Identifiers: ClinVar variation 4737995 (VCV004737995.1).
Genomic context (GRCh38, chr7:92,491,486, plus strand): 5'-TCGTCAGAGCCACTGCTATGGTTAAGAAAGACCATTGAAGACAGACTTAGGTCACTATCA[G>A]AGCTGGAACTTCCATCCTAAAATACACAAAAGGACAACCAGTTTAAAGATGTAAACAATT-3'
Protein context (NP_000457.1, residues 1065-1085): SSGLQDGSSS[Ser1075Phe]DSDLSLSSMV

ClinVar aggregate classification (germline): Uncertain significance (1 of 4 stars; one submission).

Conditions:
Zellweger spectrum disorders (ZS). Also called: Zellweger Spectrum Disorder (ZSD); Zellweger Spectrum Disorder; Zellweger Spectrum; Zellweger syndrome. Identifiers: Orphanet 912, MedGen C0043459, MONDO:0019609.

gnomAD v4.1: 15 of 1,608,506 alleles (0.00093%); highest among the groups gnomAD compares: East Asian, 0.0045%; no homozygotes.

Submission:

Labcorp Genetics (formerly Invitae), Labcorp
Classification: Uncertain significance for Zellweger spectrum disorders. Last evaluated: 2025-11-11. Review status: criteria provided, single submitter. Criteria: Invitae Variant Classification Sherloc (09022015). Collection method: clinical testing. Allele origin: germline.
Comment: This sequence change replaces serine, which is neutral and polar, with phenylalanine, which is neutral and non-polar, at codon 1075 of the PEX1 protein (p.Ser1075Phe). This variant is present in population databases (rs771494018, gnomAD 0.006%). This variant has not been reported in the literature in individuals affected with PEX1-related conditions. Invitae Evidence Modeling of protein sequence and biophysical properties (such as structural, functional, and spatial information, amino acid conservation, physicochemical variation, residue mobility, and thermodynamic stability) indicates that this missense variant is expected to disrupt PEX1 protein function with a positive predictive value of 95%. In summary, the available evidence is currently insufficient to determine the role of this variant in disease. Therefore, it has been classified as a Variant of Uncertain Significance.